The following is an entry in ClinVar:

NM_004667.6(HERC2):c.7121C>T (p.Pro2374Leu)

Gene: HERC2 (HECT and RLD domain containing E3 ubiquitin protein ligase 2; minus strand). Cytogenetic location: 15q13.1.
Variant type: single nucleotide variant.
Coding change: c.7121C>T on transcript NM_004667.6 (MANE Select); coding-DNA position 7121, C replaced by T.
Protein change: p.Pro2374Leu; replaces proline 2374 with leucine.
Molecular consequence: missense variant.
Genome position (GRCh38, 1-based): chr15:28,206,331, G>A on the plus strand (C>T on the coding strand, the complement: HERC2 is on the minus strand). VCF-style: chr15-28206331-G-A. GRCh37 (hg19) VCF-style: chr15-28451477-G-A.
Other names: c.7121C>T (NM_004667.4); short protein forms P2374L.
Identifiers: ClinVar variation 3898845 (VCV003898845.2).

ClinVar aggregate classification (germline): Uncertain significance. Review status: criteria provided, multiple submitters, no conflicts (2 of 4 stars). 2 submissions from 2 submitters: Uncertain significance (2). Last evaluated 2025-08-09.

Conditions:
Inborn genetic diseases. Identifiers: MedGen C0950123, MeSH D030342.

Submissions (2):

Ambry Genetics
Classification: Uncertain significance for Inborn genetic diseases. Last evaluated: 2025-08-09. Review status: criteria provided, single submitter. Criteria: Ambry Variant Classification Scheme 2023. Collection method: clinical testing. Allele origin: germline.

GeneDx
Classification: Uncertain significance. Last evaluated: 2024-11-07. Review status: criteria provided, single submitter. Criteria: GeneDx Variant Classification Process June 2021. Collection method: clinical testing. Allele origin: germline. Affected: yes.
Comment: In silico analysis indicates that this missense variant does not alter protein structure/function; Has not been previously published as pathogenic or benign to our knowledge